The following is an entry in ClinVar:

ClinVar aggregate classification (germline): Benign. Review status: reviewed by expert panel (3 of 4 stars). 22 submissions from 19 submitters: Benign (1). 21 of the submissions do not count toward it. Last evaluated 2025-11-11.

Conditions:
Myosin storage myopathy (CMYO7A). Also called: MYOPATHY WITH LYSIS OF TYPE I MYOFIBRILS; MYOPATHY, HYALINE BODY, AUTOSOMAL DOMINANT; MYH7-related late-onset scapuloperoneal muscular dystrophy; Congenital myopathy 7A, myosin storage, autosomal dominant; SCAPULOPERONEAL MUSCULAR DYSTROPHY; SCAPULOPERONEAL SYNDROME, MYOPATHIC TYPE. Identifiers: Orphanet 437572, Orphanet 636965, MedGen C1842160, MONDO:0008409, OMIM 608358.
Cardiovascular phenotype. Identifiers: MedGen CN230736.
Cardiomyopathy (CMYO). Also called: Cardiomyopathies. Identifiers: Orphanet 167848, MedGen C0878544, MONDO:0004994, HP:0001638. Inheritance: Various modes of inheritance.
Hypertrophic cardiomyopathy 1 (CMH1). Also called: MYH7-Related Familial Hypertrophic Cardiomyopathy; Familial hypertrophic cardiomyopathy 1. Identifiers: MedGen C3495498, MONDO:0008647, OMIM 192600.
MYH7-related skeletal myopathy. Also called: Myopathy, distal, 1; Laing distal myopathy; Laing early-onset distal myopathy; MYOPATHY, DISTAL, EARLY-ONSET, AUTOSOMAL DOMINANT; MYOPATHY, LATE DISTAL HEREDITARY. Identifiers: Orphanet 59135, MedGen C4552004, MONDO:0008050, OMIM 160500.
Dilated cardiomyopathy 1S (CMD1S). Identifiers: Orphanet 154, Orphanet 54260, MedGen C1834481, MONDO:0013262, OMIM 613426.
Hypertrophic cardiomyopathy. Also called: HYPERTROPHIC MYOCARDIOPATHY. Identifiers: Orphanet 217569, MedGen C0007194, MeSH D002312, MONDO:0005045, HP:0001639.

Allele frequency attached by ClinVar (database versions not stated): 1000 Genomes Project 0.15615; gnomAD 0.15761; 1000 Genomes Project 30x 0.16146; TOPMed 0.17173; ESP Exome Variant Server 0.18445.
gnomAD v4.1: 147,408 of 1,612,304 alleles (9.1%); highest among the groups gnomAD compares: African/African-American, 39%; 10,510 homozygotes.

Submissions (22):

ClinGen Cardiomyopathy Variant Curation Expert Panel
Classification: Benign for Hypertrophic cardiomyopathy. Last evaluated: 2025-11-11. Review status: reviewed by expert panel. Criteria: ClinGen CMP ACMG Specifications v1. Collection method: curation. Allele origin: germline. Inheritance: Autosomal dominant inheritance.
Comment: The filtering allele frequency of the c.1128C>T (p.Asp376=) variant in the MYH7 gene is 37.6% (4016/10404) of African chromosomes by the Exome Aggregation Consortium, which is a high enough frequency to be classified as benign based on thresholds defined by the ClinGen Inherited Cardiomyopathy Expert Panel (BA1; PMID:29300372).

Labcorp Genetics (formerly Invitae), Labcorp
Classification: Benign for Hypertrophic cardiomyopathy. Last evaluated: 2026-02-04. Review status: criteria provided, single submitter. Criteria: Invitae Variant Classification Sherloc (09022015). Collection method: clinical testing. Allele origin: germline. Not counted in ClinVar's aggregate classification.

Blueprint Genetics
Classification: Benign. Last evaluated: 2024-11-27. Review status: criteria provided, single submitter. Criteria: ACMG Guidelines, 2015. Collection method: clinical testing. Allele origin: germline. Not counted in ClinVar's aggregate classification.

Cohesion Phenomics
Classification: Benign for Cardiomyopathy. Last evaluated: 2022-10-10. Review status: criteria provided, single submitter. Criteria: ACMG Guidelines, 2015. Collection method: clinical testing. Allele origin: germline. Affected: yes. Not counted in ClinVar's aggregate classification.

Molecular Diagnostic Laboratory for Inherited Cardiovascular Disease, Montreal Heart Institute
Classification: Benign. Last evaluated: 2019-01-17. Review status: criteria provided, single submitter. Criteria: ACMG Guidelines, 2015. Collection method: clinical testing. Allele origin: germline. Affected: yes. Not counted in ClinVar's aggregate classification.

Color Diagnostics, LLC DBA Color Health
Classification: Benign for Cardiomyopathy. Last evaluated: 2018-03-15. Review status: criteria provided, single submitter. Criteria: ACMG Guidelines, 2015. Collection method: clinical testing. Allele origin: germline. Not counted in ClinVar's aggregate classification.

Illumina Laboratory Services, Illumina
Classification: Benign for Dilated cardiomyopathy 1S. Last evaluated: 2018-01-13. Review status: criteria provided, single submitter. Criteria: ICSL Variant Classification Criteria 13 December 2019. Collection method: clinical testing. Allele origin: germline. Not counted in ClinVar's aggregate classification.
Comment: This variant was observed in the ICSL laboratory as part of a predisposition screen in an ostensibly healthy population. It had not been previously curated by ICSL or reported in the Human Gene Mutation Database (HGMD: prior to June 1st, 2018), and was therefore a candidate for classification through an automated scoring system. Utilizing variant allele frequency, disease prevalence and penetrance estimates, and inheritance mode, an automated score was calculated to assess if this variant is too frequent to cause the disease. Based on the score and internal cut-off values, a variant classified as benign is not then subjected to further curation. The score for this variant resulted in a classification of benign for this disease.

Illumina Laboratory Services, Illumina
Classification: Benign for Myosin storage myopathy. Last evaluated: 2018-01-13. Review status: criteria provided, single submitter. Criteria: ICSL Variant Classification Criteria 13 December 2019. Collection method: clinical testing. Allele origin: germline. Not counted in ClinVar's aggregate classification.
Comment: the same text as in the submission from Illumina Laboratory Services, Illumina above.

Illumina Laboratory Services, Illumina
Classification: Benign for Hypertrophic cardiomyopathy 1. Last evaluated: 2018-01-13. Review status: criteria provided, single submitter. Criteria: ICSL Variant Classification Criteria 13 December 2019. Collection method: clinical testing. Allele origin: germline. Not counted in ClinVar's aggregate classification.
Comment: the same text as in the submission from Illumina Laboratory Services, Illumina above.

Illumina Laboratory Services, Illumina
Classification: Benign for MYH7-related skeletal myopathy. Last evaluated: 2018-01-13. Review status: criteria provided, single submitter. Criteria: ICSL Variant Classification Criteria 13 December 2019. Collection method: clinical testing. Allele origin: germline. Not counted in ClinVar's aggregate classification.
Comment: the same text as in the submission from Illumina Laboratory Services, Illumina above.

Mayo Clinic Laboratories, Mayo Clinic
Classification: Benign. Last evaluated: 2017-08-24. Review status: criteria provided, single submitter. Criteria: ACMG Guidelines, 2015. Collection method: clinical testing. Allele origin: germline. Observed: 506 variant alleles. Not counted in ClinVar's aggregate classification.

Ambry Genetics
Classification: Benign for Cardiovascular phenotype. Last evaluated: 2015-06-26. Review status: criteria provided, single submitter. Criteria: Ambry Variant Classification Scheme 2023. Collection method: clinical testing. Allele origin: germline. Not counted in ClinVar's aggregate classification.

GeneDx
Classification: Benign. Last evaluated: 2015-03-03. Review status: criteria provided, single submitter. Criteria: GeneDx Variant Classification Process June 2021. Collection method: clinical testing. Allele origin: germline. Affected: yes. Not counted in ClinVar's aggregate classification.

Genetic Services Laboratory, University of Chicago
Classification: Benign for AllHighlyPenetrant. Last evaluated: 2013-08-15. Review status: criteria provided, single submitter. Criteria: ACMG Guidelines, 2007. Collection method: clinical testing. Allele origin: germline. Inheritance: Autosomal dominant inheritance. Not counted in ClinVar's aggregate classification.

Laboratory for Molecular Medicine, Mass General Brigham Personalized Medicine
Classification: Benign. Last evaluated: 2008-01-18. Review status: criteria provided, single submitter. Criteria: LMM Criteria. Collection method: clinical testing. Allele origin: germline. Observed: 1,100 variant alleles. Not counted in ClinVar's aggregate classification.

Breakthrough Genomics
Classification: Benign. Review status: criteria provided, single submitter. Criteria: ACMG Guidelines, 2015. Collection method: not provided. Allele origin: germline. Inheritance: Autosomal recessive inheritance. Affected: yes. Not counted in ClinVar's aggregate classification.

PreventionGenetics, part of Exact Sciences
Classification: Benign. Review status: criteria provided, single submitter. Criteria: ACMG Guidelines, 2015. Collection method: clinical testing. Allele origin: germline. Not counted in ClinVar's aggregate classification.

Clinical Genetics DNA and cytogenetics Diagnostics Lab, Erasmus MC, Erasmus Medical Center
Classification: Benign. Review status: no assertion criteria provided. Collection method: clinical testing. Allele origin: germline. Affected: yes. Study: VKGL Data-share Consensus. Not counted in ClinVar's aggregate classification.

Clinical Genetics, Academic Medical Center
Classification: Benign. Review status: no assertion criteria provided. Collection method: clinical testing. Allele origin: germline. Affected: yes. Study: VKGL Data-share Consensus. Not counted in ClinVar's aggregate classification.

Diagnostic Laboratory, Department of Genetics, University Medical Center Groningen
Classification: Benign. Review status: no assertion criteria provided. Collection method: clinical testing. Allele origin: germline. Affected: yes. Study: VKGL Data-share Consensus. Not counted in ClinVar's aggregate classification.

Genome Diagnostics Laboratory, University Medical Center Utrecht
Classification: Benign. Review status: no assertion criteria provided. Collection method: clinical testing. Allele origin: germline. Affected: yes. Study: VKGL Data-share Consensus. Not counted in ClinVar's aggregate classification.

Joint Genome Diagnostic Labs from Nijmegen and Maastricht, Radboudumc and MUMC+
Classification: Benign. Review status: no assertion criteria provided. Collection method: clinical testing. Allele origin: germline. Affected: yes. Study: VKGL Data-share Consensus. Not counted in ClinVar's aggregate classification.

Literature cited by the submitters: PubMed 29300372 (cited by ClinGen Cardiomyopathy Variant Curation Expert Panel).

NM_000257.4(MYH7):c.1128C>T (p.Asp376=)

Gene: MYH7 (myosin heavy chain 7; minus strand). Cytogenetic location: 14q11.2.
Variant type: single nucleotide variant.
Coding change: c.1128C>T on transcript NM_000257.4 (MANE Select); coding-DNA position 1128, C replaced by T.
Protein change: p.Asp376=; no amino-acid change (aspartic acid 376 retained).
Molecular consequence: synonymous variant.
Genome position (GRCh38, 1-based): chr14:23,429,785, G>A on the plus strand (C>T on the coding strand, the complement: MYH7 is on the minus strand). VCF-style: chr14-23429785-G-A. GRCh37 (hg19) VCF-style: chr14-23898994-G-A.
Other names: NM_000257.3(MYH7):c.1128C>T.
Identifiers: ClinVar variation 42823 (VCV000042823.45), dbSNP rs2231126, ClinGen allele CA010240.